The following is an entry in ClinVar:

ClinVar aggregate classification (germline): Likely benign. Review status: criteria provided, multiple submitters, no conflicts (2 of 4 stars). 3 submissions from 3 submitters: Likely benign (2). 1 of the submissions does not count toward it. Last evaluated 2026-01-07.

Conditions:
Hereditary cancer-predisposing syndrome. Also called: Hereditary Cancer Syndrome; Neoplastic Syndromes, Hereditary; Tumor predisposition; Hereditary neoplastic syndrome. Identifiers: Orphanet 140162, MedGen C0027672, MeSH D009386, MONDO:0015356.
EGFR-related lung cancer (EGFR). Identifiers: MedGen CN130014.
EGFR-related disorder. Also called: EGFR-related condition.

Allele frequency attached by ClinVar (database versions not stated): gnomAD 0.00001 and 0.00002; TOPMed 0.00004; ExAC 0.00005; gnomAD exomes 0.00006 and 0.00010; ESP Exome Variant Server 0.00008.
gnomAD v4.1: 139 of 1,612,238 alleles (0.0086%); highest among the groups gnomAD compares: South Asian, 0.031%; no homozygotes.

Submissions (3):

Labcorp Genetics (formerly Invitae), Labcorp
Classification: Likely benign for EGFR-related lung cancer. Last evaluated: 2026-01-07. Review status: criteria provided, single submitter. Criteria: Invitae Variant Classification Sherloc (09022015). Collection method: clinical testing. Allele origin: germline.

Ambry Genetics
Classification: Likely benign for Hereditary cancer-predisposing syndrome. Last evaluated: 2024-08-21. Review status: criteria provided, single submitter. Criteria: Ambry Variant Classification Scheme 2023. Collection method: clinical testing. Allele origin: germline.

PreventionGenetics, part of Exact Sciences
Classification: Likely benign for EGFR-related condition. Last evaluated: 2023-03-10. Review status: no assertion criteria provided. Collection method: clinical testing. Allele origin: germline. Not counted in ClinVar's aggregate classification.
Comment: This variant is classified as likely benign based on ACMG/AMP sequence variant interpretation guidelines (Richards et al. 2015 PMID: 25741868, with internal and published modifications).

NM_005228.5(EGFR):c.3351C>T (p.Pro1117=)

Gene: EGFR (epidermal growth factor receptor; plus strand). Cytogenetic location: 7p11.2.
Variant type: single nucleotide variant.
Coding change: c.3351C>T on transcript NM_005228.5 (MANE Select); coding-DNA position 3351, C replaced by T.
Protein change: p.Pro1117=; no amino-acid change (proline 1117 retained).
Molecular consequence: synonymous variant.
Genome position (GRCh38, 1-based): chr7:55,205,335, C>T. VCF-style: chr7-55205335-C-T. GRCh37 (hg19) VCF-style: chr7-55273028-C-T.
Other names: c.3351C>T (NM_005228.3, NM_005228.4); c.3216C>T, p.Pro1072= (NM_001346899.2); c.3192C>T, p.Pro1064= (NM_001346900.2); c.2550C>T, p.Pro850= (NM_001346941.2).
Identifiers: ClinVar variation 1085886 (VCV001085886.12), dbSNP rs149995949, ClinGen allele CA4266383.
Genomic context (GRCh38, chr7:55,205,335, plus strand): 5'-TCCCAAAAGGCCCGCTGGCTCTGTGCAGAATCCTGTCTATCACAATCAGCCTCTGAACCC[C>T]GCGCCCAGCAGAGACCCACACTACCAGGACCCCCACAGCACTGCAGTGGGCAACCCCGAG-3'
Protein context (NP_005219.2, residues 1107-1127): NPVYHNQPLN[Pro1117=]APSRDPHYQD